The following is an entry in ClinVar:

ClinVar aggregate classification (germline): Uncertain significance (1 of 4 stars; one submission).

Conditions:
Inborn genetic diseases. Identifiers: MedGen C0950123, MeSH D030342.

Submission:

Ambry Genetics
Classification: Uncertain significance for Inborn genetic diseases. Last evaluated: 2026-02-19. Review status: criteria provided, single submitter. Criteria: Ambry Variant Classification Scheme 2023. Collection method: clinical testing. Allele origin: germline.
Comment: The p.E93G variant (also known as c.278A>G), located in coding exon 3 of the USB1 gene, results from an A to G substitution at nucleotide position 278. The glutamic acid at codon 93 is replaced by glycine, an amino acid with similar properties. This amino acid position is conserved. In addition, the in silico prediction for this alteration is inconclusive. Based on the available evidence, the clinical significance of this variant remains unclear.

NM_024598.4(USB1):c.278A>G (p.Glu93Gly)

Gene: USB1 (U6 snRNA biogenesis phosphodiesterase 1; plus strand). Cytogenetic location: 16q21.
Variant type: single nucleotide variant.
Coding change: c.278A>G on transcript NM_024598.4 (MANE Select); coding-DNA position 278, A replaced by G.
Protein change: p.Glu93Gly; replaces glutamic acid 93 with glycine.
Molecular consequence: missense variant.
Genome position (GRCh38, 1-based): chr16:58,009,941, A>G. VCF-style: chr16-58009941-A-G. GRCh37 (hg19) VCF-style: chr16-58043845-A-G.
Other names: c.278A>G, p.Glu93Gly (NM_001195302.2, NM_001204911.2, NM_001330569.2); c.125A>G, p.Glu42Gly (NM_001330568.2); short protein forms E93G, E42G.
Identifiers: ClinVar variation 4824766 (VCV004824766.1).